The following is an entry in ClinVar:

ClinVar aggregate classification (germline): Uncertain significance. Review status: criteria provided, multiple submitters, no conflicts (2 of 4 stars). 2 submissions from 2 submitters: Uncertain significance (2). Last evaluated 2025-09-02.

Conditions:
Inborn genetic diseases. Identifiers: MedGen C0950123, MeSH D030342.
PCNT-related disorder. Also called: PCNT-related condition.

Allele frequency attached by ClinVar (database versions not stated): gnomAD exomes below 0.00001; gnomAD 0.00001; TOPMed 0.00002.
gnomAD v4.1: 5 of 1,614,116 alleles (0.00031%); highest among the groups gnomAD compares: African/African-American, 0.0053%; no homozygotes.

Submissions (2):

PreventionGenetics, part of Exact Sciences
Classification: Uncertain significance for PCNT-related condition. Last evaluated: 2025-09-02. Review status: criteria provided, single submitter. Criteria: ACMG Guidelines, 2015. Collection method: clinical testing. Allele origin: germline.
Comment: The PCNT c.3667T>A variant is predicted to result in the amino acid substitution p.Ser1223Thr. To our knowledge, this variant has not been reported in the literature or in a large population database (gnomAD), indicating this variant is rare. At this time, the clinical significance of this variant is uncertain due to the absence of conclusive functional and genetic evidence.

Ambry Genetics
Classification: Uncertain significance for Inborn genetic diseases. Last evaluated: 2021-12-06. Review status: criteria provided, single submitter. Criteria: Ambry Variant Classification Scheme 2023. Collection method: clinical testing. Allele origin: germline.

NM_006031.6(PCNT):c.3667T>A (p.Ser1223Thr)

Gene: PCNT (pericentrin; plus strand). Cytogenetic location: 21q22.3.
Variant type: single nucleotide variant.
Coding change: c.3667T>A on transcript NM_006031.6 (MANE Select); coding-DNA position 3667, T replaced by A.
Protein change: p.Ser1223Thr; replaces serine 1223 with threonine.
Molecular consequence: missense variant.
Genome position (GRCh38, 1-based): chr21:46,389,258, T>A. VCF-style: chr21-46389258-T-A. GRCh37 (hg19) VCF-style: chr21-47809173-T-A.
Other names: c.3313T>A, p.Ser1105Thr (NM_001315529.2); short protein forms S1223T, S1105T.
Identifiers: ClinVar variation 2265266 (VCV002265266.3), dbSNP rs898740129, ClinGen allele CA322029590.